The following is an entry in ClinVar:

ClinVar aggregate classification (germline): Uncertain significance. Review status: criteria provided, multiple submitters, no conflicts (2 of 4 stars). 2 submissions from 2 submitters: Uncertain significance (2). Last evaluated 2025-09-22.

Conditions:
Developmental and epileptic encephalopathy, 1 (DEE1). Also called: Epileptic encephalopathy, early infantile, 1; X-linked infantile spasms; West's syndrome; Tonic spasms with clustering, arrest of psychomotor development and hypsarrhythmia on EEG; X-Linked Infantile Spasm Syndrome; OHTAHARA SYNDROME, X-LINKED. Identifiers: MedGen C3463992, MONDO:0010632, OMIM 308350. Disease mechanism: loss of function.
Autosomal recessive spinocerebellar ataxia 12. Also called: SPINOCEREBELLAR ATAXIA WITH MENTAL RETARDATION AND EPILEPSY. Identifiers: Orphanet 284282, MedGen C3280452, MONDO:0013687, OMIM 614322.
Inborn genetic diseases. Identifiers: MedGen C0950123, MeSH D030342.

Allele frequency attached by ClinVar (database versions not stated): TOPMed 0.00004; gnomAD 0.00005 and 0.00006.
gnomAD v4.1: 41 of 1,613,986 alleles (0.0025%); highest among the groups gnomAD compares: East Asian, 0.0067%; no homozygotes.

Submissions (2):

Ambry Genetics
Classification: Uncertain significance for Inborn genetic diseases. Last evaluated: 2025-09-22. Review status: criteria provided, single submitter. Criteria: Ambry Variant Classification Scheme 2023. Collection method: clinical testing. Allele origin: germline.

Labcorp Genetics (formerly Invitae), Labcorp
Classification: Uncertain significance for Developmental and epileptic encephalopathy, 1; Autosomal recessive spinocerebellar ataxia 12. Last evaluated: 2022-02-03. Review status: criteria provided, single submitter. Criteria: Invitae Variant Classification Sherloc (09022015). Collection method: clinical testing. Allele origin: germline.
Comment: This sequence change replaces valine, which is neutral and non-polar, with methionine, which is neutral and non-polar, at codon 190 of the WWOX protein (p.Val190Met). This variant is present in population databases (rs769400934, gnomAD 0.03%). This variant has not been reported in the literature in individuals affected with WWOX-related conditions. ClinVar contains an entry for this variant (Variation ID: 473028). Algorithms developed to predict the effect of missense changes on protein structure and function are either unavailable or do not agree on the potential impact of this missense change (SIFT: "Not Available"; PolyPhen-2: "Probably Damaging"; Align-GVGD: "Not Available"). In summary, the available evidence is currently insufficient to determine the role of this variant in disease. Therefore, it has been classified as a Variant of Uncertain Significance.

NM_016373.4(WWOX):c.568G>A (p.Val190Met)

Gene: WWOX (WW domain containing oxidoreductase; plus strand). Cytogenetic location: 16q23.1.
Variant type: single nucleotide variant.
Coding change: c.568G>A on transcript NM_016373.4 (MANE Select); coding-DNA position 568, G replaced by A.
Protein change: p.Val190Met; replaces valine 190 with methionine.
Molecular consequence: missense variant.
Genome position (GRCh38, 1-based): chr16:78,386,911, G>A. VCF-style: chr16-78386911-G-A. GRCh37 (hg19) VCF-style: chr16-78420808-G-A.
Other names: c.229G>A, p.Val77Met (NM_001291997.2); c.568G>A (NM_016373.2); short protein forms V190M, V77M.
Identifiers: ClinVar variation 473028 (VCV000473028.6), dbSNP rs769400934, ClinGen allele CA8183340.